The following is an entry in ClinVar:

ClinVar aggregate classification (germline): Pathogenic. Review status: criteria provided, multiple submitters, no conflicts (2 of 4 stars). 14 submissions from 14 submitters: Pathogenic (10). 4 of the submissions do not count toward it. Last evaluated 2026-05-30.

Conditions:
PRKAR1A-related disorder. Also called: PRKAR1A-related condition.
Pigmented nodular adrenocortical disease, primary, 1 (PPNAD1). Also called: ADRENOCORTICAL NODULAR DYSPLASIA, PRIMARY; PIGMENTED MICRONODULAR ADRENOCORTICAL DISEASE, PRIMARY, 1; CUSHING SYNDROME, ADRENAL, DUE TO PPNAD1. Identifiers: Orphanet 189439, MedGen C1864846, MONDO:0012509, OMIM 610489.
Carney complex. Also called: LAMB SYNDROME; MYXOMA, SPOTTY PIGMENTATION, AND ENDOCRINE OVERACTIVITY; NAME SYNDROME; CARNEY SYNDROME. Identifiers: Orphanet 1359, MedGen C0406810, MONDO:0015285.
Acrodysostosis 1 with or without hormone resistance (ACRDYS1). Also called: ACRODYSOSTOSIS 1 WITH HORMONE RESISTANCE; ACRODYSOSTOSIS 1 WITHOUT HORMONE RESISTANCE; ACRODYSOSTOSIS WITH HORMONE RESISTANCE. Identifiers: Orphanet 280651, MedGen C3276228, MONDO:0007044, OMIM 101800.
Albright hereditary osteodystrophy, pseudohypoparathyroidism, pseudopseudohypoparathyroidism, acrodysostosis and osteoma cutis.
Carney complex, type 1 (CNC1). Also called: CARNEY COMPLEX, TYPE I; CARNEY MYXOMA-ENDOCRINE COMPLEX. Identifiers: Orphanet 1359, MedGen C2607929, MONDO:0008057, OMIM 160980.

Submissions (14):

NHS Central & South Genomic Laboratory Hub
Classification: Pathogenic for Albright hereditary osteodystrophy, pseudohypoparathyroidism, pseudopseudohypoparathyroidism, acrodysostosis and osteoma cutis. Last evaluated: 2026-05-30. Review status: criteria provided, single submitter. Criteria: ACMG Guidelines, 2015. Collection method: clinical testing. Allele origin: germline. Affected: yes.

Labcorp Genetics (formerly Invitae), Labcorp
Classification: Pathogenic for Carney complex, type 1. Last evaluated: 2025-09-15. Review status: criteria provided, single submitter. Criteria: Invitae Variant Classification Sherloc (09022015). Collection method: clinical testing. Allele origin: germline.
Comment: This sequence change creates a premature translational stop signal (p.Arg368*) in the PRKAR1A gene. While this is not anticipated to result in nonsense mediated decay, it is expected to disrupt the last 14 amino acid(s) of the PRKAR1A protein. This variant is not present in population databases (gnomAD no frequency). This premature translational stop signal has been observed in individual(s) with acrodysostosis (PMID: 21651393, 22464250, 28804209). In at least one individual the variant was observed to be de novo. ClinVar contains an entry for this variant (Variation ID: 29907). Algorithms developed to predict the effect of variants on gene product structure and function are not available or were not evaluated for this variant. Experimental studies have shown that this premature translational stop signal affects PRKAR1A function (PMID: 21651393, 26405036). For these reasons, this variant has been classified as Pathogenic.

Dasa
Classification: Pathogenic. Last evaluated: 2024-12-23. Review status: criteria provided, single submitter. Criteria: DASA Assertion Criteria. Collection method: clinical testing. Allele origin: germline.
Comment: NM_002734.5(PRKAR1A):c.1102C>T (p.Arg368*) introduces a premature termination codon predicted to result in loss of normal protein function. Loss-of-function is an established mechanism of disease for this gene. De novo occurrence has been reported in an individual with related phenotype. This variant has been reported in individuals with related phenotype (PMID: 21651393). Multiple computational predictions support a deleterious effect on the gene or gene product. The variant is present at low frequency in population datasets. Based on the available data, this variant is classified as pathogenic.

GeneDx
Classification: Pathogenic. Last evaluated: 2023-01-27. Review status: criteria provided, single submitter. Criteria: GeneDx Variant Classification Process June 2021. Collection method: clinical testing. Allele origin: germline. Affected: yes.
Comment: Published functional studies demonstrate a damaging effect: gain of function variant leading to impaired ability of cAMP to dissociate subunits of PKA and repression of PKA activity (Linglert et al. 2011; Rhayem et al. 2015); Nonsense variant in the C-terminus predicted to result in protein truncation as the last 14 amino acids are lost; Not observed in large population cohorts (gnomAD); This variant is associated with the following publications: (PMID: 34529350, 23043190, 28804209, 26405036, 21651393, 22464250, 29499646, 32782451, 34006472, 31785789)

Illumina Laboratory Services, Illumina
Classification: Pathogenic for Acrodysostosis 1 with or without hormone resistance. Last evaluated: 2021-03-23. Review status: criteria provided, single submitter. Criteria: ICSLVariantClassificationCriteria RUGD 01 April 2020. Collection method: clinical testing. Allele origin: unknown.
Comment: The PRKAR1A c.1102C>T (p.Arg368Ter) variant is a stop-gained variant that is predicted to result in a premature termination of the protein. Across a selection of the available literature, the p.Arg368Ter variant has been identified in at least nine individuals (Linglart et al. 2011; Linglart et al. 2012), all of which were de novo. The p.Arg368Ter variant is not reported in the Genome Aggregation Database in a region of good sequence coverage, suggesting that it is a rare variant. This variant is located in the last exon and was shown to escape nonsense-mediated decay (Linglart et al. 2011). Functional studies measuring the phosphorylation of cAMP responsive element-binding (CREB) protein, in forskolin-stimulated lymphocytic cell lines, showed that CREB phosphorylation was significantly reduced in cells from patients when compared with cells from controls (Linglart et al. 2011). In addition, a knock-in mouse model expressing Arg368Ter showed growth retardation, peripheral acrodysostosis and facial dysostosis (Le Stunff et al. 2017). Based on the collective evidence and application of the ACMG criteria, the p.Arg368Ter variant is classified as pathogenic for acrodysostosis type 1.

Victorian Clinical Genetics Services, Murdoch Childrens Research Institute
Classification: Pathogenic for Acrodysostosis 1 with or without hormone resistance. Last evaluated: 2020-05-21. Review status: criteria provided, single submitter. Criteria: ACMG Guidelines, 2015. Collection method: clinical testing. Allele origin: germline. Affected: yes.
Comment: Based on the classification scheme VCGS_Germline_v1.1.1, this variant is classified as 5-Pathogenic. Following criteria are met: 0103 - Both loss- and gain-of-function are known mechanisms of disease for this gene (PMID: 21651393; 26405036). (N) 0107 - This gene is known to be associated with autosomal dominant disease. (N) 0205 - Variant is predicted to result in a truncated protein with less than 1/3 of the protein affected (exon 11 of 11). (P) 0251 - Variant is heterozygous. (N) 0301 - Variant is absent from gnomAD. (P) 0309 - An alternative amino acid change at the same position has been observed in gnomAD (1 heterozygote, 0 homozygotes). (N) 0600 - Variant is located in the cAMP-binding domain B (PMID: 21651393). (N) 0801 - Strong previous evidence of pathogenicity in unrelated individuals with acrodysostosis(PMID: 21651393; 23043190; 22464250). (P) 1002 - Moderate functional evidence supporting abnormal protein function (PMID: 26405036; 21651393). (P) 1208 - Inheritance information for this variant is not currently available. (N) Legend: (P) - Pathogenic, (N) - Neutral, (B) - Benign

Blueprint Genetics
Classification: Pathogenic for PRKAR1A-related disorders. Last evaluated: 2020-01-31. Review status: criteria provided, single submitter. Criteria: ACMG Guidelines, 2015. Collection method: clinical testing. Allele origin: germline. Affected: yes. Observed: 4 variant alleles.

Centre for Genomic Medicine, Manchester, Central Manchester University Hospitals
Classification: Pathogenic for Acrodysostosis 1 with or without hormone resistance. Last evaluated: 2019-02-01. Review status: criteria provided, single submitter. Criteria: ACMG Guidelines, 2015. Collection method: clinical testing. Allele origin: de novo. Affected: yes. Observed: 1 variant allele, 1 heterozygote.

3billion
Classification: Pathogenic for Acrodysostosis 1 with or without hormone resistance. Review status: criteria provided, single submitter. Criteria: ACMG Guidelines, 2015. Collection method: clinical testing. Allele origin: unknown. Affected: yes. Observed: 1 heterozygote.
Comment: The variant is not observed in the gnomAD v2.1.1 dataset. The variant is predicted to result in a loss or disruption of normal protein function through protein truncation. The predicted truncated protein may be shortened by less than 10%. Functional studies provide strong evidence of the variant having a damaging effect on the gene or gene product (PMID: 26405036, 27589370). The variant has been observed in at least two similarly affected unrelated individuals (PMID: 23043190, 28804209). The variant has been reported at least twice as pathogenic with clinical assertions and evidence for the classification (ClinVar ID: VCV000029907 / PMID: 21651393). Therefore, this variant is classified as Pathogenic according to the recommendation of ACMG/AMP guideline.

Clinical Genetics Service, Universitary Hospital 12 de Octubre
Classification: Pathogenic for Acrodysostosis 1 with or without hormone resistance. Review status: criteria provided, single submitter. Criteria: ACMG Guidelines, 2015. Collection method: clinical testing. Allele origin: germline. Affected: yes.

PreventionGenetics, part of Exact Sciences
Classification: Pathogenic for PRKAR1A-related condition. Last evaluated: 2024-04-04. Review status: no assertion criteria provided. Collection method: clinical testing. Allele origin: germline. Not counted in ClinVar's aggregate classification.
Comment: The PRKAR1A c.1102C>T variant is predicted to result in premature protein termination (p.Arg368*). This variant has been reported as a recurrent de novo variant in patients with acrodysostosis with hormone resistance (Linglart et al. 2011. PubMed ID: 21651393; Silveira et al. 2021. PubMed ID: 34529350; Ueyama et al. 2017. PubMed ID: 28804209). This variant has not been reported in a large population database, indicating this variant is rare. Nonsense variants in PRKAR1A are expected to be pathogenic. This variant is interpreted as pathogenic.

OMIM
Classification: Pathogenic for ACRODYSOSTOSIS 1 WITH HORMONE RESISTANCE. Last evaluated: 2012-04-06. Review status: no assertion criteria provided. Collection method: literature only. Allele origin: germline. Not counted in ClinVar's aggregate classification.

Joint Genome Diagnostic Labs from Nijmegen and Maastricht, Radboudumc and MUMC+
Classification: Pathogenic. Review status: no assertion criteria provided. Collection method: clinical testing. Allele origin: germline. Affected: yes. Study: VKGL Data-share Consensus. Not counted in ClinVar's aggregate classification.

Laboratory of Diagnostic Genome Analysis, Leiden University Medical Center (LUMC)
Classification: Likely pathogenic. Review status: no assertion criteria provided. Collection method: clinical testing. Allele origin: germline. Affected: yes. Study: VKGL Data-share Consensus. Not counted in ClinVar's aggregate classification.

Literature cited by the submitters: PubMed 21651393 (cited by 6 submitters); PubMed 22464250 (cited by 3 submitters); PubMed 28804209 (cited by Labcorp Genetics (formerly Invitae), Labcorp and 3billion); PubMed 26405036 (cited by 3 submitters); PubMed 23043190 (cited by 3 submitters); PubMed 27589370 (cited by Illumina Laboratory Services, Illumina and 3billion).

NM_002734.5(PRKAR1A):c.1102C>T (p.Arg368Ter)

Gene: PRKAR1A (protein kinase cAMP-dependent type I regulatory subunit alpha; plus strand). Cytogenetic location: 17q24.2.
Variant type: single nucleotide variant.
Coding change: c.1102C>T on transcript NM_002734.5 (MANE Select); coding-DNA position 1102, C replaced by T.
Protein change: p.Arg368Ter; replaces arginine 368 with a stop codon.
Molecular consequence: nonsense. On other transcripts: intron variant (1).
Genome position (GRCh38, 1-based): chr17:68,530,405, C>T. VCF-style: chr17-68530405-C-T. GRCh37 (hg19) VCF-style: chr17-66526546-C-T.
Other names: c.1102C>T, p.Arg368Ter (NM_001276289.2, NM_001278433.2, NM_001369389.1 and 3 more transcripts); c.973+404C>T (NM_001276290.1); short protein forms R368*.
Identifiers: ClinVar variation 29907 (VCV000029907.27), dbSNP rs387906692, ClinGen allele CA128739.